The following is an entry in ClinVar:

NM_001999.4(FBN2):c.3091G>T (p.Ala1031Ser)

Genes: FBN2 (fibrillin 2; minus strand), LOC126807501 (BRD4-independent group 4 enhancer GRCh37_chr5:127680731-127681930; plus strand). Cytogenetic location: 5q23.3.
Variant type: single nucleotide variant.
Coding change: c.3091G>T on transcript NM_001999.4 (MANE Select); coding-DNA position 3091, G replaced by T.
Protein change: p.Ala1031Ser; replaces alanine 1031 with serine.
Molecular consequence: missense variant.
Genome position (GRCh38, 1-based): chr5:128,345,483, C>A on the plus strand (G>T on the coding strand, the complement: FBN2 is on the minus strand). VCF-style: chr5-128345483-C-A. GRCh37 (hg19) VCF-style: chr5-127681175-C-A.
Other names: short protein forms A1031S.
Identifiers: ClinVar variation 3573729 (VCV003573729.1).
Genomic context (GRCh38, chr5:128,345,483, plus strand): 5'-GCGTCTCGTATTCCTTGGTGCCAGGTTTGGGGCACTCCTCACACTCGGTGCCCCAAGCCG[C>A]CCCGACAGCACAGCAGCAGGCATCCATGCGGAACTTTCCAGGAACGGGGTGGATGCATTC-3'
Protein context (NP_001990.2, residues 1021-1041): RMDACCCAVG[Ala1031Ser]AWGTECEECP

ClinVar aggregate classification (germline): Uncertain significance (1 of 4 stars; one submission).

gnomAD v4.1: 8 of 1,614,192 alleles (0.0005%); highest among the groups gnomAD compares: Non-Finnish European, 0.00068%; no homozygotes.

Submission:

GeneDx
Classification: Uncertain significance. Last evaluated: 2024-07-15. Review status: criteria provided, single submitter. Criteria: GeneDx Variant Classification Process June 2021. Collection method: clinical testing. Allele origin: germline. Affected: yes.
Comment: Has not been previously published as pathogenic or benign to our knowledge; Not observed at significant frequency in large population cohorts (gnomAD); In silico analysis indicates that this missense variant does not alter protein structure/function